The following is an entry in ClinVar:

ClinVar aggregate classification (germline): Uncertain significance (1 of 4 stars; one submission).

Conditions:
Syndromic multisystem autoimmune disease due to ITCH deficiency. Also called: AUTOIMMUNE DISEASE, MULTISYSTEM, WITH FACIAL DYSMORPHISM. Identifiers: Orphanet 228426, MedGen C3150649, MONDO:0013245, OMIM 613385.

Allele frequency attached by ClinVar (database versions not stated): gnomAD exomes 0.00001 and 0.00002; ExAC 0.00003; gnomAD 0.00005 and 0.00006; 1000 Genomes Project 30x 0.00031; TOPMed 0.00012; 1000 Genomes Project 0.00020.

Submission:

Labcorp Genetics (formerly Invitae), Labcorp
Classification: Uncertain significance for Syndromic multisystem autoimmune disease due to ITCH deficiency. Last evaluated: 2022-05-27. Review status: criteria provided, single submitter. Criteria: Invitae Variant Classification Sherloc (09022015). Collection method: clinical testing. Allele origin: germline.
Comment: This sequence change replaces leucine, which is neutral and non-polar, with phenylalanine, which is neutral and non-polar, at codon 113 of the ITCH protein (p.Leu113Phe). This variant is present in population databases (rs199947085, gnomAD 0.006%). This variant has not been reported in the literature in individuals affected with ITCH-related conditions. Algorithms developed to predict the effect of missense changes on protein structure and function output the following: SIFT: "Not Available"; PolyPhen-2: "Benign"; Align-GVGD: "Not Available". The phenylalanine amino acid residue is found in multiple mammalian species, which suggests that this missense change does not adversely affect protein function. Algorithms developed to predict the effect of sequence changes on RNA splicing suggest that this variant may disrupt the consensus splice site. In summary, the available evidence is currently insufficient to determine the role of this variant in disease. Therefore, it has been classified as a Variant of Uncertain Significance.

NM_031483.7(ITCH):c.337C>T (p.Leu113Phe)

Gene: ITCH (itchy E3 ubiquitin protein ligase; plus strand). Cytogenetic location: 20q11.22.
Variant type: single nucleotide variant.
Coding change: c.337C>T on transcript NM_031483.7 (MANE Select); coding-DNA position 337, C replaced by T.
Protein change: p.Leu113Phe; replaces leucine 113 with phenylalanine.
Molecular consequence: missense variant.
Genome position (GRCh38, 1-based): chr20:34,412,639, C>T. VCF-style: chr20-34412639-C-T. GRCh37 (hg19) VCF-style: chr20-33000445-C-T.
Other names: c.337C>T, p.Leu113Phe (NM_001257137.3, NM_001324197.2, NM_001324198.2); c.7C>T, p.Leu3Phe (NM_001257138.3); short protein forms L3F, L113F.
Identifiers: ClinVar variation 1351555 (VCV001351555.3), dbSNP rs199947085, ClinGen allele CA9821285.